The following is an entry in ClinVar:

NM_001384910.1(GUCA1A):c.155_156delinsGT (p.Ala52Gly)

Genes: GUCA1A (guanylate cyclase activator 1A; plus strand), GUCA1ANB-GUCA1A (GUCA1ANB-GUCA1A readthrough; plus strand). Cytogenetic location: 6p21.1.
Variant type: Indel.
Coding change: c.155_156delinsGT on transcript NM_001384910.1 (MANE Select); coding-DNA positions 155 to 156, CC replaced by GT.
Protein change: p.Ala52Gly; replaces alanine 52 with glycine.
Molecular consequence: missense variant.
Genome position (GRCh38, 1-based): chr6:42,173,768-42,173,769, CC replaced by GT. VCF-style: chr6-42173768-CC-GT. GRCh37 (hg19) VCF-style: chr6-42141506-CC-GT.
Other names: c.155_156delinsGT, p.Ala52Gly (NM_000409.5, NM_001319061.2, NM_001319062.2); short protein forms A52G.
Identifiers: ClinVar variation 2819950 (VCV002819950.3), dbSNP rs2546714202, ClinGen allele CA2739273020.

ClinVar aggregate classification (germline): Uncertain significance (1 of 4 stars; one submission).

Submission:

Labcorp Genetics (formerly Invitae), Labcorp
Classification: Uncertain significance. Last evaluated: 2022-12-10. Review status: criteria provided, single submitter. Criteria: Invitae Variant Classification Sherloc (09022015). Collection method: clinical testing. Allele origin: germline.
Comment: This sequence change replaces alanine, which is neutral and non-polar, with glycine, which is neutral and non-polar, at codon 52 of the GUCA1A protein (p.Ala52Gly). Information on the frequency of this variant in the gnomAD database is not available, as this variant may be reported differently in the database. This variant has not been reported in the literature in individuals affected with GUCA1A-related conditions. Algorithms developed to predict the effect of missense changes on protein structure and function are either unavailable or do not agree on the potential impact of this missense change (SIFT: "Not Available"; PolyPhen-2: "Benign"; Align-GVGD: "Not Available"). In summary, the available evidence is currently insufficient to determine the role of this variant in disease. Therefore, it has been classified as a Variant of Uncertain Significance.